The following is an entry in ClinVar:

NM_003998.4(NFKB1):c.1030G>A (p.Glu344Lys)

Gene: NFKB1 (nuclear factor kappa B subunit 1; plus strand). Cytogenetic location: 4q24.
Variant type: single nucleotide variant.
Coding change: c.1030G>A on transcript NM_003998.4 (MANE Select); coding-DNA position 1030, G replaced by A.
Protein change: p.Glu344Lys; replaces glutamic acid 344 with lysine.
Molecular consequence: missense variant.
Genome position (GRCh38, 1-based): chr4:102,584,784, G>A. VCF-style: chr4-102584784-G-A. GRCh37 (hg19) VCF-style: chr4-103505941-G-A.
Other names: c.1027G>A, p.Glu343Lys (NM_001165412.2, NM_001319226.2, NM_001382627.1); c.1030G>A, p.Glu344Lys (NM_001382625.1, NM_001382626.1); c.988G>A, p.Glu330Lys (NM_001382628.1); short protein forms E330K, E343K, E344K.
Identifiers: ClinVar variation 2636590 (VCV002636590.1), dbSNP rs2476447603, ClinGen allele CA357961002.

ClinVar aggregate classification (germline): Uncertain significance (1 of 4 stars; one submission).

Conditions:
NFKB1-related disorder. Also called: NFKB1-related condition.

Submission:

PreventionGenetics, part of Exact Sciences
Classification: Uncertain significance for NFKB1-related condition. Last evaluated: 2023-06-05. Review status: criteria provided, single submitter. Criteria: ACMG Guidelines, 2015. Collection method: clinical testing. Allele origin: germline.
Comment: The NFKB1 c.1030G>A variant is predicted to result in the amino acid substitution p.Glu344Lys. To our knowledge, this variant has not been reported in the literature or in a large population database, indicating this variant is rare. At this time, the clinical significance of this variant is uncertain due to the absence of conclusive functional and genetic evidence.